The following is an entry in ClinVar:

ClinVar aggregate classification (germline): Pathogenic/Likely pathogenic. Review status: criteria provided, multiple submitters, no conflicts (2 of 4 stars). 2 submissions from 2 submitters: Pathogenic (1); Likely pathogenic (1). Last evaluated 2025-12-27.

Conditions:
X-linked Alport syndrome (ATS1). Also called: NEPHROPATHY AND DEAFNESS, X-LINKED; COL4A5-Related Nephropathy. Identifiers: Orphanet 63, Orphanet 88917, MedGen C4746986, MONDO:0010520, OMIM 301050.

Submissions (2):

Variantyx, Inc.
Classification: Likely pathogenic for X-linked Alport syndrome. Last evaluated: 2025-12-27. Review status: criteria provided, single submitter. Criteria: Variantyx Assertion Criteria 2022. Collection method: clinical testing. Allele origin: maternal. Inheritance: X-linked dominant inheritance. Affected: yes.
Comment: This is a nonsynonymous variant in the COL4A5 gene (OMIM: 303630). Pathogenic variants in this gene have been associated with X-linked Alport syndrome 1. This variant has been reported in at least 1 affected individual (PMID: 33040356) (PS4), and is absent from control populations (PM2). This variant lies within a well-established critical functional domain of the COL4A5 protein (PMID: 9452056, 28098982) (PM1_Strong), and multiple computational algorithms predict a deleterious effect (REVEL score: 0.994) (PP3). Based on the current evidence, this variant is classified as likely pathogenic for X-linked Alport syndrome 1.

Mayo Clinic Laboratories, Mayo Clinic
Classification: Pathogenic. Last evaluated: 2023-11-07. Review status: criteria provided, single submitter. Criteria: ACMG Guidelines, 2015. Collection method: clinical testing. Allele origin: germline. Observed: 1 variant allele.
Comment: PP3, PM1_strong, PM2, PM5, PS4_moderate

Literature cited by the submitters: PubMed 33040356 (cited by Variantyx, Inc. and Mayo Clinic Laboratories, Mayo Clinic); PubMed 9452056 (cited by Variantyx, Inc.); PubMed 28098982 (cited by Variantyx, Inc.).

NM_033380.3(COL4A5):c.1912G>C (p.Gly638Arg)

Gene: COL4A5 (collagen type IV alpha 5 chain; plus strand). Cytogenetic location: Xq22.3.
Variant type: single nucleotide variant.
Coding change: c.1912G>C on transcript NM_033380.3 (MANE Select); coding-DNA position 1912, G replaced by C.
Protein change: p.Gly638Arg; replaces glycine 638 with arginine.
Molecular consequence: missense variant.
Genome position (GRCh38, 1-based): chrX:108,598,834, G>C. VCF-style: chrX-108598834-G-C. GRCh37 (hg19) VCF-style: chrX-107842064-G-C.
Other names: p.Gly638Arg; c.1912G>C, p.Gly638Arg (NM_000495.5); short protein forms G638R.
Identifiers: ClinVar variation 3380928 (VCV003380928.2).